The following is an entry in ClinVar:

NM_006612.6(KIF1C):c.850G>A (p.Ala284Thr)

Genes: KIF1C (kinesin family member 1C; plus strand), LOC126862472 (CDK7 strongly-dependent group 2 enhancer GRCh37_chr17:4906716-4907915; plus strand). Cytogenetic location: 17p13.2.
Variant type: single nucleotide variant.
Coding change: c.850G>A on transcript NM_006612.6 (MANE Select); coding-DNA position 850, G replaced by A.
Protein change: p.Ala284Thr; replaces alanine 284 with threonine.
Molecular consequence: missense variant.
Genome position (GRCh38, 1-based): chr17:5,003,902, G>A. VCF-style: chr17-5003902-G-A. GRCh37 (hg19) VCF-style: chr17-4907197-G-A.
Other names: short protein forms A284T.
Identifiers: ClinVar variation 2049717 (VCV002049717.4), dbSNP rs368151227, ClinGen allele CA8318758.

ClinVar aggregate classification (germline): Uncertain significance (1 of 4 stars; one submission).

Conditions:
Spastic ataxia 2. Also called: Ataxia, spastic, 2, autosomal recessive. Identifiers: Orphanet 397946, MedGen C1969796, MONDO:0012651, OMIM 611302.

Allele frequency attached by ClinVar (database versions not stated): gnomAD 0.00001; gnomAD exomes 0.00001; ESP Exome Variant Server 0.00008; TOPMed below 0.00001; ExAC 0.00001.
gnomAD v4.1: 14 of 1,613,880 alleles (0.00087%); highest among the groups gnomAD compares: Non-Finnish European, 0.001%; no homozygotes.

Submission:

Labcorp Genetics (formerly Invitae), Labcorp
Classification: Uncertain significance for Spastic ataxia 2. Last evaluated: 2022-11-22. Review status: criteria provided, single submitter. Criteria: Invitae Variant Classification Sherloc (09022015). Collection method: clinical testing. Allele origin: germline.
Comment: In summary, the available evidence is currently insufficient to determine the role of this variant in disease. Therefore, it has been classified as a Variant of Uncertain Significance. Advanced modeling of protein sequence and biophysical properties (such as structural, functional, and spatial information, amino acid conservation, physicochemical variation, residue mobility, and thermodynamic stability) performed at Invitae indicates that this missense variant is not expected to disrupt KIF1C protein function. This variant has not been reported in the literature in individuals affected with KIF1C-related conditions. This variant is present in population databases (rs368151227, gnomAD 0.0009%). This sequence change replaces alanine, which is neutral and non-polar, with threonine, which is neutral and polar, at codon 284 of the KIF1C protein (p.Ala284Thr).